The following is an entry in ClinVar:

NM_000091.5(COL4A3):c.280-43_280-41dup

Genes: COL4A3 (collagen type IV alpha 3 chain; plus strand), MFF-DT (MFF divergent transcript; minus strand). Cytogenetic location: 2q36.3.
Variant type: Duplication.
Coding change: c.280-43_280-41dup on transcript NM_000091.5 (MANE Select); 43 bases into the intron before coding-DNA position 280 through 41 bases into the intron before coding-DNA position 280, 3 bases duplicated (GTT; older notation c.280-43_280-41dupGTT).
Molecular consequence: intron variant.
Genome position (GRCh38, 1-based): chr2:227,244,908-227,244,910, GTT duplicated. VCF-style (leftmost placement, unchanged base first): chr2-227244907-A-AGTT. GRCh37 (hg19) VCF-style: chr2-228109623-A-AGTT.
Identifiers: ClinVar variation 1684064 (VCV001684064.2), dbSNP rs199630222, ClinGen allele CA2146007.

ClinVar aggregate classification (germline): Likely benign (1 of 4 stars; one submission).

Allele frequency attached by ClinVar (database versions not stated): gnomAD exomes 0.00078; ExAC 0.00478; 1000 Genomes Project 0.00978; 1000 Genomes Project 30x 0.01140; gnomAD 0.02055 and 0.02161; ESP Exome Variant Server 0.75413.

Submission:

GeneDx
Classification: Likely benign. Last evaluated: 2020-05-18. Review status: criteria provided, single submitter. Criteria: GeneDx Variant Classification Process June 2021. Collection method: clinical testing. Allele origin: germline. Affected: yes.
Comment: See Variant Classification Assertion Criteria.